The following is an entry in ClinVar:

ClinVar aggregate classification (germline): Uncertain significance (1 of 4 stars; one submission).

Conditions:
Rhabdoid tumor predisposition syndrome 2 (RTPS2). Identifiers: Orphanet 231108, Orphanet 69077, MedGen C2750074, MONDO:0013224, OMIM 613325.

Allele frequency attached by ClinVar (database versions not stated): gnomAD exomes below 0.00001.
gnomAD v4.1: 3 of 1,607,728 alleles (0.00019%); highest among the groups gnomAD compares: Non-Finnish European, 0.00025%; no homozygotes.

Submission:

Labcorp Genetics (formerly Invitae), Labcorp
Classification: Uncertain significance for Rhabdoid tumor predisposition syndrome 2. Last evaluated: 2024-05-21. Review status: criteria provided, single submitter. Criteria: Invitae Variant Classification Sherloc (09022015). Collection method: clinical testing. Allele origin: germline.
Comment: This sequence change falls in intron 9 of the SMARCA4 gene. It does not directly change the encoded amino acid sequence of the SMARCA4 protein. It affects a nucleotide within the consensus splice site. This variant is not present in population databases (gnomAD no frequency). This variant has not been reported in the literature in individuals affected with SMARCA4-related conditions. ClinVar contains an entry for this variant (Variation ID: 1061598). Variants that disrupt the consensus splice site are a relatively common cause of aberrant splicing (PMID: 17576681, 9536098). Algorithms developed to predict the effect of sequence changes on RNA splicing suggest that this variant is not likely to affect RNA splicing. In summary, the available evidence is currently insufficient to determine the role of this variant in disease. Therefore, it has been classified as a Variant of Uncertain Significance.

Literature cited by the submitters: PubMed 17576681; PubMed 9536098.

NM_003072.5(SMARCA4):c.1593+6G>A

Gene: SMARCA4 (SWI/SNF related BAF chromatin remodeling complex subunit ATPase 4; plus strand). Cytogenetic location: 19p13.2.
Variant type: single nucleotide variant.
Coding change: c.1593+6G>A on transcript NM_003072.5 (MANE Select); 6 bases into the intron after coding-DNA position 1593, G replaced by A.
Molecular consequence: intron variant.
Genome position (GRCh38, 1-based): chr19:10,995,007, G>A. VCF-style: chr19-10995007-G-A. GRCh37 (hg19) VCF-style: chr19-11105683-G-A.
Other names: c.1593+6G>A (NM_001128844.3, NM_001128849.3, NM_001128847.4 and 5 more transcripts).
Identifiers: ClinVar variation 1061598 (VCV001061598.9), dbSNP rs2145943465, ClinGen allele CA2499225272.